The following is an entry in ClinVar:

NM_012120.3(CD2AP):c.574C>A (p.Pro192Thr)

Gene: CD2AP (CD2 associated protein; plus strand). Cytogenetic location: 6p12.3.
Variant type: single nucleotide variant.
Coding change: c.574C>A on transcript NM_012120.3 (MANE Select); coding-DNA position 574, C replaced by A.
Protein change: p.Pro192Thr; replaces proline 192 with threonine.
Molecular consequence: missense variant.
Genome position (GRCh38, 1-based): chr6:47,574,096, C>A. VCF-style: chr6-47574096-C-A. GRCh37 (hg19) VCF-style: chr6-47541832-C-A.
Other names: short protein forms P192T.
Identifiers: ClinVar variation 4740980 (VCV004740980.1).

ClinVar aggregate classification (germline): Uncertain significance (1 of 4 stars; one submission).

Submission:

Labcorp Genetics (formerly Invitae), Labcorp
Classification: Uncertain significance. Last evaluated: 2025-07-23. Review status: criteria provided, single submitter. Criteria: Invitae Variant Classification Sherloc (09022015). Collection method: clinical testing. Allele origin: germline.
Comment: This sequence change replaces proline, which is neutral and non-polar, with threonine, which is neutral and polar, at codon 192 of the CD2AP protein (p.Pro192Thr). This variant is not present in population databases (gnomAD no frequency). This variant has not been reported in the literature in individuals affected with CD2AP-related conditions. Invitae Evidence Modeling of protein sequence and biophysical properties (such as structural, functional, and spatial information, amino acid conservation, physicochemical variation, residue mobility, and thermodynamic stability) indicates that this missense variant is not expected to disrupt CD2AP protein function with a negative predictive value of 80%. In summary, the available evidence is currently insufficient to determine the role of this variant in disease. Therefore, it has been classified as a Variant of Uncertain Significance.